The following is an entry in ClinVar:

NM_206933.4(USH2A):c.12661A>G (p.Asn4221Asp)

Gene: USH2A (usherin; minus strand). Cytogenetic location: 1q41.
Variant type: single nucleotide variant.
Coding change: c.12661A>G on transcript NM_206933.4 (MANE Select); coding-DNA position 12661, A replaced by G.
Protein change: p.Asn4221Asp; replaces asparagine 4221 with aspartic acid.
Molecular consequence: missense variant.
Genome position (GRCh38, 1-based): chr1:215,675,250, T>C on the plus strand (A>G on the coding strand, the complement: USH2A is on the minus strand). VCF-style: chr1-215675250-T-C. GRCh37 (hg19) VCF-style: chr1-215848592-T-C.
Other names: short protein forms N4221D.
Identifiers: ClinVar variation 3331287 (VCV003331287.3).

ClinVar aggregate classification (germline): Uncertain significance. Review status: criteria provided, multiple submitters, no conflicts (2 of 4 stars). 3 submissions from 3 submitters: Uncertain significance (3). Last evaluated 2026-03-28.

Conditions:
Inborn genetic diseases. Identifiers: MedGen C0950123, MeSH D030342.
USH2A-related disorder. Also called: USH2A-related disorders; USH2A-related condition. Identifiers: MedGen CN239332.

gnomAD v4.1: 65 of 1,614,056 alleles (0.004%); highest among the groups gnomAD compares: Non-Finnish European, 0.0053%; no homozygotes.

Submissions (3):

PreventionGenetics, part of Exact Sciences
Classification: Uncertain significance for USH2A-related condition. Last evaluated: 2026-03-28. Review status: criteria provided, single submitter. Criteria: ACMG Guidelines, 2015. Collection method: clinical testing. Allele origin: germline.
Comment: The USH2A c.12661A>G variant is predicted to result in the amino acid substitution p.Asn4221Asp. To our knowledge, this variant has not been reported in the literature. This variant is reported in 0.013% of alleles in individuals of European (Non-Finnish) descent in gnomAD. At this time, the clinical significance of this variant is uncertain due to the absence of conclusive functional and genetic evidence.

Blueprint Genetics
Classification: Uncertain significance. Last evaluated: 2024-05-16. Review status: criteria provided, single submitter. Criteria: ACMG Guidelines, 2015. Collection method: clinical testing. Allele origin: germline.

Ambry Genetics
Classification: Uncertain significance for Inborn genetic diseases. Last evaluated: 2024-04-20. Review status: criteria provided, single submitter. Criteria: Ambry Variant Classification Scheme 2023. Collection method: clinical testing. Allele origin: germline.